The following is an entry in ClinVar:

ClinVar aggregate classification (germline): Uncertain significance (1 of 4 stars; one submission).

Conditions:
Emery-Dreifuss muscular dystrophy 5, autosomal dominant (EDMD5). Also called: EMERY-DREIFUSS MUSCULAR DYSTROPHY 5. Identifiers: Orphanet 261, MedGen C2751805, MONDO:0013072, OMIM 612999.

Allele frequency attached by ClinVar (database versions not stated): gnomAD exomes below 0.00001 and 0.00001; ExAC 0.00001; TOPMed 0.00001.
gnomAD v4.1: 3 of 1,614,118 alleles (0.00019%); highest among the groups gnomAD compares: Admixed American, 0.0017%; no homozygotes.

Submission:

Labcorp Genetics (formerly Invitae), Labcorp
Classification: Uncertain significance for Emery-Dreifuss muscular dystrophy 5, autosomal dominant. Last evaluated: 2022-07-25. Review status: criteria provided, single submitter. Criteria: Invitae Variant Classification Sherloc (09022015). Collection method: clinical testing. Allele origin: germline.
Comment: This sequence change replaces isoleucine, which is neutral and non-polar, with methionine, which is neutral and non-polar, at codon 3713 of the SYNE2 protein (p.Ile3713Met). This variant is present in population databases (rs755177395, gnomAD 0.0009%). This variant has not been reported in the literature in individuals affected with SYNE2-related conditions. ClinVar contains an entry for this variant (Variation ID: 1407784). Algorithms developed to predict the effect of missense changes on protein structure and function are either unavailable or do not agree on the potential impact of this missense change (SIFT: "Deleterious"; PolyPhen-2: "Probably Damaging"; Align-GVGD: "Class C0"). In summary, the available evidence is currently insufficient to determine the role of this variant in disease. Therefore, it has been classified as a Variant of Uncertain Significance.

NM_182914.3(SYNE2):c.11139T>G (p.Ile3713Met)

Gene: SYNE2 (spectrin repeat containing nuclear envelope protein 2; plus strand). Cytogenetic location: 14q23.2.
Variant type: single nucleotide variant.
Coding change: c.11139T>G on transcript NM_182914.3 (MANE Select); coding-DNA position 11139, T replaced by G.
Protein change: p.Ile3713Met; replaces isoleucine 3713 with methionine.
Molecular consequence: missense variant.
Genome position (GRCh38, 1-based): chr14:64,078,582, T>G. VCF-style: chr14-64078582-T-G. GRCh37 (hg19) VCF-style: chr14-64545300-T-G.
Other names: c.11139T>G, p.Ile3713Met (NM_015180.6); short protein forms I3713M.
Identifiers: ClinVar variation 1407784 (VCV001407784.6), dbSNP rs755177395, ClinGen allele CA7221707.